The following is an entry in ClinVar:

ClinVar aggregate classification (germline): Uncertain significance (1 of 4 stars; one submission).

Conditions:
Hereditary nonpolyposis colorectal neoplasms. Identifiers: MedGen C0009405, MeSH D003123.

gnomAD v4.1: 1 of 1,614,126 alleles (0.000062%); highest among the groups gnomAD compares: Non-Finnish European, 0.000085%; no homozygotes.

Submission:

Labcorp Genetics (formerly Invitae), Labcorp
Classification: Uncertain significance for Hereditary nonpolyposis colorectal neoplasms. Last evaluated: 2024-08-01. Review status: criteria provided, single submitter. Criteria: Invitae Variant Classification Sherloc (09022015). Collection method: clinical testing. Allele origin: germline.
Comment: This sequence change replaces glycine, which is neutral and non-polar, with aspartic acid, which is acidic and polar, at codon 900 of the MSH6 protein (p.Gly900Asp). This variant is not present in population databases (gnomAD no frequency). This variant has not been reported in the literature in individuals affected with MSH6-related conditions. ClinVar contains an entry for this variant (Variation ID: 1391382). Advanced modeling of protein sequence and biophysical properties (such as structural, functional, and spatial information, amino acid conservation, physicochemical variation, residue mobility, and thermodynamic stability) performed at Invitae indicates that this missense variant is not expected to disrupt MSH6 protein function with a negative predictive value of 95%. In summary, the available evidence is currently insufficient to determine the role of this variant in disease. Therefore, it has been classified as a Variant of Uncertain Significance.

NM_000179.3(MSH6):c.2699G>A (p.Gly900Asp)

Gene: MSH6 (mutS homolog 6; plus strand). Cytogenetic location: 2p16.3.
Variant type: single nucleotide variant.
Coding change: c.2699G>A on transcript NM_000179.3 (MANE Select); coding-DNA position 2699, G replaced by A.
Protein change: p.Gly900Asp; replaces glycine 900 with aspartic acid.
Molecular consequence: missense variant.
Genome position (GRCh38, 1-based): chr2:47,800,682, G>A. VCF-style: chr2-47800682-G-A. GRCh37 (hg19) VCF-style: chr2-48027821-G-A.
Other names: c.2309G>A, p.Gly770Asp (NM_001281492.2); c.1793G>A, p.Gly598Asp (NM_001281493.2, NM_001281494.2); short protein forms G598D, G770D, G900D.
Identifiers: ClinVar variation 1391382 (VCV001391382.6), dbSNP rs2104419774, ClinGen allele CA346755317.
Genomic context (GRCh38, chr2:47,800,682, plus strand): 5'-ATGGTTTTAAGTCTAAAATCCTTAAGCAGGTCATCTCTCTGCAGACAAAAAATCCTGAAG[G>A]TCGTTTTCCTGATTTGACTGTAGAATTGAACCGATGGGATACAGCCTTTGACCATGAAAA-3'
Protein context (NP_000170.1, residues 890-910): VISLQTKNPE[Gly900Asp]RFPDLTVELN